The following is an entry in ClinVar:

NM_001394998.1(TANC2):c.1863A>G (p.Ala621=)

Gene: TANC2 (tetratricopeptide repeat, ankyrin repeat and coiled-coil containing 2; plus strand). Cytogenetic location: 17q23.3.
Variant type: single nucleotide variant.
Coding change: c.1863A>G on transcript NM_001394998.1 (MANE Select); coding-DNA position 1863, A replaced by G.
Protein change: p.Ala621=; no amino-acid change (alanine 621 retained).
Molecular consequence: synonymous variant.
Genome position (GRCh38, 1-based): chr17:63,351,305, A>G. VCF-style: chr17-63351305-A-G. GRCh37 (hg19) VCF-style: chr17-61428666-A-G.
Other names: c.1641A>G, p.Ala547= (NM_001411076.1, NM_025185.4).
Identifiers: ClinVar variation 4874383 (VCV004874383.2).

ClinVar aggregate classification (germline): Likely benign (1 of 4 stars; one submission).

gnomAD v4.1: 13 of 1,610,258 alleles (0.00081%); highest among the groups gnomAD compares: Admixed American, 0.022%; no homozygotes.

Submission:

CeGaT Center for Human Genetics Tuebingen
Classification: Likely benign. Last evaluated: 2026-04-01. Review status: criteria provided, single submitter. Criteria: CeGaT Center For Human Genetics Tuebingen Variant Classification Criteria Version 2. Collection method: clinical testing. Allele origin: germline. Affected: yes. Observed: 1 variant allele.
Comment: TANC2: BP4, BP7